The following is an entry in ClinVar:

NM_201384.3(PLEC):c.4373G>A (p.Arg1458His)

Gene: PLEC (plectin; minus strand). Cytogenetic location: 8q24.3.
Variant type: single nucleotide variant.
Coding change: c.4373G>A on transcript NM_201384.3 (MANE Select); coding-DNA position 4373, G replaced by A.
Protein change: p.Arg1458His; replaces arginine 1458 with histidine.
Molecular consequence: missense variant.
Genome position (GRCh38, 1-based): chr8:143,925,556, C>T on the plus strand (G>A on the coding strand, the complement: PLEC is on the minus strand). VCF-style: chr8-143925556-C-T. GRCh37 (hg19) VCF-style: chr8-144999724-C-T.
Other names: c.4454G>A, p.Arg1485His (NM_000445.5); c.4331G>A, p.Arg1444His (NM_201378.4); c.4307G>A, p.Arg1436His (NM_201379.3); c.4784G>A, p.Arg1595His (NM_201380.4); c.4277G>A, p.Arg1426His (NM_201381.3); c.4373G>A, p.Arg1458His (NM_201382.4); c.4385G>A, p.Arg1462His (NM_201383.3); c.4454G>A (NM_000445.3); short protein forms R1426H, R1595H, R1436H, R1444H, R1462H, R1458H, R1485H.
Identifiers: ClinVar variation 864357 (VCV000864357.8), dbSNP rs782720526, ClinGen allele CA4926680.

ClinVar aggregate classification (germline): Uncertain significance. Review status: criteria provided, multiple submitters, no conflicts (2 of 4 stars). 2 submissions from 2 submitters: Uncertain significance (2). Last evaluated 2025-03-10.

Conditions:
Epidermolysis bullosa simplex 5B, with muscular dystrophy (EBS5B). Also called: EPIDERMOLYSIS BULLOSA SIMPLEX AND LIMB-GIRDLE MUSCULAR DYSTROPHY; Epidermolysis bullosa simplex with muscular dystrophy. Identifiers: Orphanet 257, MedGen C2931072, MONDO:0009181, OMIM 226670.
Epidermolysis bullosa simplex, Ogna type (EBS5A). Also called: Pidermolysis bullosa simplex 5A, Ogna type; EPIDERMOLYSIS BULLOSA SIMPLEX 5A, OGNA TYPE. Identifiers: Orphanet 79401, MedGen C0432317, MONDO:0007555, OMIM 131950.
Epidermolysis bullosa simplex 5C, with pyloric atresia (EBS5C). Also called: PLEC1-Related Epidermolysis Bullosa with Pyloric Atresia; PLEC-Related Epidermolysis Bullosa with Pyloric Atresia; Epidermolysis bullosa simplex with pyloric atresia. Identifiers: Orphanet 158684, MedGen C2677349, MONDO:0012807, OMIM 612138.
Autosomal recessive limb-girdle muscular dystrophy type 2Q (LGMDR17). Also called: MUSCULAR DYSTROPHY, LIMB-GIRDLE, AUTOSOMAL RECESSIVE 17. Identifiers: Orphanet 254361, MedGen C3150989, MONDO:0013390, OMIM 613723.
Epidermolysis bullosa simplex with nail dystrophy (EBS5D). Identifiers: MedGen C4225309, MONDO:0014661, OMIM 616487.
Inborn genetic diseases. Identifiers: MedGen C0950123, MeSH D030342.

Allele frequency attached by ClinVar (database versions not stated): TOPMed 0.00004.
gnomAD v4.1: 42 of 1,589,994 alleles (0.0026%); highest among the groups gnomAD compares: South Asian, 0.018%; no homozygotes.

Submissions (2):

Labcorp Genetics (formerly Invitae), Labcorp
Classification: Uncertain significance for Autosomal recessive limb-girdle muscular dystrophy type 2Q; Epidermolysis bullosa simplex, Ogna type; Epidermolysis bullosa simplex with nail dystrophy; Epidermolysis bullosa simplex 5C, with pyloric atresia; Epidermolysis bullosa simplex 5B, with muscular dystrophy. Last evaluated: 2025-03-10. Review status: criteria provided, single submitter. Criteria: Invitae Variant Classification Sherloc (09022015). Collection method: clinical testing. Allele origin: germline.
Comment: This sequence change replaces arginine, which is basic and polar, with histidine, which is basic and polar, at codon 1485 of the PLEC protein (p.Arg1485His). This variant is present in population databases (rs782720526, gnomAD 0.02%). This variant has not been reported in the literature in individuals affected with PLEC-related conditions. ClinVar contains an entry for this variant (Variation ID: 864357). Experimental studies and prediction algorithms are not available or were not evaluated, and the functional significance of this variant is currently unknown. In summary, the available evidence is currently insufficient to determine the role of this variant in disease. Therefore, it has been classified as a Variant of Uncertain Significance.

Ambry Genetics
Classification: Uncertain significance for Inborn genetic diseases. Last evaluated: 2022-01-10. Review status: criteria provided, single submitter. Criteria: Ambry Variant Classification Scheme 2023. Collection method: clinical testing. Allele origin: germline.